The following is an entry in ClinVar:

ClinVar aggregate classification (germline): Likely benign. Review status: criteria provided, multiple submitters, no conflicts (2 of 4 stars). 2 submissions from 2 submitters: Likely benign (2). Last evaluated 2018-01-12.

Conditions:
Mannose-binding lectin deficiency. Also called: LECTIN COMPLEMENT ACTIVATION PATHWAY, DEFECT IN, 1; MBP DEFICIENCY; MBL DEFICIENCY; MBL2 DEFICIENCY; Chronic infections, due to MBL deficiency. Identifiers: MedGen C3280586, MONDO:0013714, OMIM 614372.

Allele frequency attached by ClinVar (database versions not stated): 1000 Genomes Project 0.33866; 1000 Genomes Project 30x 0.34666; gnomAD 0.33061 and 0.32358; TOPMed 0.33600.

Submissions (2):

Illumina Laboratory Services, Illumina
Classification: Likely benign for Mannose-binding lectin deficiency. Last evaluated: 2018-01-12. Review status: criteria provided, single submitter. Criteria: ICSL Variant Classification Criteria 13 December 2019. Collection method: clinical testing. Allele origin: germline.
Comment: This variant was observed in the ICSL laboratory as part of a predisposition screen in an ostensibly healthy population. It had not been previously curated by ICSL or reported in the Human Gene Mutation Database (HGMD: prior to June 1st, 2018), and was therefore a candidate for classification through an automated scoring system. Utilizing variant allele frequency, disease prevalence and penetrance estimates, and inheritance mode, an automated score was calculated to assess if this variant is too frequent to cause the disease. Based on the score and internal cut-off values, a variant classified as likely benign is not then subjected to further curation. The score for this variant resulted in a classification of likely benign for this disease.

Breakthrough Genomics
Classification: Likely benign. Review status: criteria provided, single submitter. Criteria: ACMG Guidelines, 2015. Collection method: not provided. Allele origin: germline. Inheritance: Autosomal dominant inheritance. Affected: yes.

NM_001378373.1(MBL2):c.*2048A>G

Gene: MBL2 (mannose binding lectin 2; minus strand). Cytogenetic location: 10q21.1.
Variant type: single nucleotide variant.
Coding change: c.*2048A>G on transcript NM_001378373.1 (MANE Select); 2048 bases downstream of the stop codon, A replaced by G.
Molecular consequence: 3 prime UTR variant.
Genome position (GRCh38, 1-based): chr10:52,766,089, T>C on the plus strand (A>G on the coding strand, the complement: MBL2 is on the minus strand). VCF-style: chr10-52766089-T-C. GRCh37 (hg19) VCF-style: chr10-54525849-T-C.
Other names: c.*2048A>G (NM_000242.3, NM_001378374.1).
Identifiers: ClinVar variation 300113 (VCV000300113.6), dbSNP rs2099902, ClinGen allele CA10631781.